The following is an entry in ClinVar:

ClinVar aggregate classification (germline): Uncertain significance (1 of 4 stars; one submission).

Conditions:
Congenital myasthenic syndrome 8. Also called: Myasthenic syndrome, congenital, 8, with pre- and postsynaptic defects; MYASTHENIC SYNDROME, CONGENITAL, DUE TO AGRIN DEFICIENCY. Identifiers: Orphanet 590, MedGen C3808739, MONDO:0014052, OMIM 615120.

Submission:

Labcorp Genetics (formerly Invitae), Labcorp
Classification: Uncertain significance for Congenital myasthenic syndrome 8. Last evaluated: 2021-08-27. Review status: criteria provided, single submitter. Criteria: Invitae Variant Classification Sherloc (09022015). Collection method: clinical testing. Allele origin: germline.
Comment: Algorithms developed to predict the effect of missense changes on protein structure and function are either unavailable or do not agree on the potential impact of this missense change (SIFT: "Not Available"; PolyPhen-2: "Possibly Damaging"; Align-GVGD: "Not Available"). In summary, the available evidence is currently insufficient to determine the role of this variant in disease. Therefore, it has been classified as a Variant of Uncertain Significance. This variant has not been reported in the literature in individuals affected with AGRN-related conditions. The frequency data for this variant in the population databases is not available, as this variant may be reported as separate entries in the ExAC database. This sequence change replaces aspartic acid with serine at codon 1175 of the AGRN protein (p.Asp1175Ser). The aspartic acid residue is moderately conserved and there is a small physicochemical difference between aspartic acid and serine.

NM_198576.4(AGRN):c.3523_3524delinsAG (p.Asp1175Ser)

Gene: AGRN (agrin; plus strand). Cytogenetic location: 1p36.33.
Variant type: Indel.
Coding change: c.3523_3524delinsAG on transcript NM_198576.4 (MANE Select); coding-DNA positions 3523 to 3524, GA replaced by AG.
Protein change: p.Asp1175Ser; replaces aspartic acid 1175 with serine.
Molecular consequence: missense variant.
Genome position (GRCh38, 1-based): chr1:1,047,579-1,047,580, GA replaced by AG. VCF-style: chr1-1047579-GA-AG. GRCh37 (hg19) VCF-style: chr1-982959-GA-AG.
Other names: c.3523_3524delinsAG, p.Asp1175Ser (NM_001305275.2); c.3208_3209delinsAG, p.Asp1070Ser (NM_001364727.2); short protein forms D1070S, D1175S.
Identifiers: ClinVar variation 1375245 (VCV001375245.6), dbSNP rs2100664623, ClinGen allele CA2573130434.